The following is an entry in ClinVar:

NM_001080442.3(SLC38A8):c.837del (p.Val280fs)

Gene: SLC38A8 (solute carrier family 38 member 8; minus strand). Cytogenetic location: 16q23.3.
Variant type: Deletion.
Coding change: c.837del on transcript NM_001080442.3 (MANE Select); coding-DNA position 837, one base deleted (A; older notation c.837delA).
Protein change: p.Val280fs; shifts the reading frame from valine 280.
Molecular consequence: frameshift variant.
Genome position (GRCh38, 1-based): chr16:84,017,256, T deleted on the plus strand (A on the coding strand, the reverse complement: SLC38A8 is on the minus strand); the first of 2 consecutive T bases (chr16:84,017,256-84,017,257); deleting either gives the same sequence. VCF-style (leftmost placement, unchanged base first): chr16-84017255-CT-C. GRCh37 (hg19) VCF-style: chr16-84050860-CT-C.
Other names: short protein forms V280fs.
Identifiers: ClinVar variation 817244 (VCV000817244.1), dbSNP rs756501758, ClinGen allele CA8199954.

ClinVar aggregate classification (germline): Pathogenic (1 of 4 stars; one submission).

Submission:

GeneDx
Classification: Pathogenic. Last evaluated: 2018-09-19. Review status: criteria provided, single submitter. Criteria: GeneDx Variant Classification (06012015). Collection method: clinical testing. Allele origin: germline. Affected: yes.
Comment: The c.837delA variant in the SLC38A8 gene has not been reported previously as a pathogenic variant nor as a benign variant, to our knowledge. The c.837delA variant causes a frameshift starting with codon Valine 280, changes this amino acid to a Phenylalanine residue, and creates a premature Stop codon at position 6 of the new reading frame, denoted p.Val280PhefsX6. This variant is predicted to cause loss of normal protein function either through protein truncation or nonsense-mediated mRNA decay. The c.837delA variant is not observed at a significant frequency in large population cohorts (Lek et al., 2016). We interpret c.837delA as a pathogenic variant.